The following is an entry in ClinVar:

NM_000481.4(AMT):c.797T>C (p.Leu266Pro)

Gene: AMT (aminomethyltransferase; minus strand). Cytogenetic location: 3p21.31.
Variant type: single nucleotide variant.
Coding change: c.797T>C on transcript NM_000481.4 (MANE Select); coding-DNA position 797, T replaced by C.
Protein change: p.Leu266Pro; replaces leucine 266 with proline.
Molecular consequence: missense variant. On other transcripts: non-coding transcript variant (1).
Genome position (GRCh38, 1-based): chr3:49,419,051, A>G on the plus strand (T>C on the coding strand, the complement: AMT is on the minus strand). VCF-style: chr3-49419051-A-G. GRCh37 (hg19) VCF-style: chr3-49456484-A-G.
Other names: c.665T>C, p.Leu222Pro (NM_001164710.2); c.629T>C, p.Leu210Pro (NM_001164711.2); c.797T>C, p.Leu266Pro (NM_001164712.2); short protein forms L210P, L222P, L266P.
Identifiers: ClinVar variation 984917 (VCV000984917.4), dbSNP rs2049051428, ClinGen allele CA352789825.
Genomic context (GRCh38, chr3:49,419,051, plus strand): 5'-CCCTCCACAGGTGTAGTGTGTTCATCAATGTCATTCCCATACAGGCAGAGGCCTGCCTCC[A>G]GGCGCAGGCTGTCCCTGGCTGCCAGCCCTGCCAGCTTCACCTCTGGGTTTTTCAGAATAG-3'
Protein context (NP_000472.2, residues 256-276): AGLAARDSLR[Leu266Pro]EAGLCLYGND

ClinVar aggregate classification (germline): Conflicting classifications of pathogenicity. Review status: criteria provided, conflicting classifications (1 of 4 stars). 3 submissions from 3 submitters: Likely pathogenic (1); Uncertain significance (1). 1 of the submissions does not count toward it. Last evaluated 2022-06-22.

Conditions:
Glycine encephalopathy. Also called: Non-ketotic hyperglycinemia; Nonketotic hyperglycinemia. Identifiers: Orphanet 407, MedGen C0751748, MONDO:0011612, HP:0008288.

Submissions (3):

Labcorp Genetics (formerly Invitae), Labcorp
Classification: Uncertain significance for Glycine encephalopathy. Last evaluated: 2022-06-22. Review status: criteria provided, single submitter. Criteria: Invitae Variant Classification Sherloc (09022015). Collection method: clinical testing. Allele origin: germline.
Comment: This sequence change replaces leucine, which is neutral and non-polar, with proline, which is neutral and non-polar, at codon 266 of the AMT protein (p.Leu266Pro). This variant is not present in population databases (gnomAD no frequency). This variant has not been reported in the literature in individuals affected with AMT-related conditions. ClinVar contains an entry for this variant (Variation ID: 984917). Advanced modeling of protein sequence and biophysical properties (such as structural, functional, and spatial information, amino acid conservation, physicochemical variation, residue mobility, and thermodynamic stability) performed at Invitae indicates that this missense variant is expected to disrupt AMT protein function. In summary, the available evidence is currently insufficient to determine the role of this variant in disease. Therefore, it has been classified as a Variant of Uncertain Significance.

Rady Children's Institute for Genomic Medicine, Rady Children's Hospital San Diego
Classification: Likely pathogenic for GLYCINE ENCEPHALOPATHY. Last evaluated: 2019-12-09. Review status: criteria provided, single submitter. Criteria: ACMG Guidelines, 2015. Collection method: clinical testing. Allele origin: germline. Affected: yes.
Comment: This variant has not been previously reported or functionally characterized in the literature to our knowledge. It is absent from the ExAC and gnomAD population databases and thus is presumed to be rare. The c.797T>C (p.Leu266Pro) variant affects a highly conserved amino acid and is predicted by multiple in silico tools to have a deleterious effect on protein function. Based on the available evidence, the c.797T>C (p.Leu266Pro) variant is classified as Likely Pathogenic.

Natera, Inc.
Classification: Uncertain significance for Non-ketotic hyperglycinemia. Last evaluated: 2025-03-27. Review status: no assertion criteria provided. Collection method: clinical testing. Allele origin: germline. Not counted in ClinVar's aggregate classification.